The following is an entry in ClinVar:

ClinVar aggregate classification (germline): Uncertain significance (0 of 4 stars; one submission).

Conditions:
INSR-related disorder.

Allele frequency attached by ClinVar (database versions not stated): TOPMed below 0.00001.

Submission:

PreventionGenetics, part of Exact Sciences
Classification: Uncertain significance for INSR-related condition. Last evaluated: 2024-02-01. Review status: no assertion criteria provided. Collection method: clinical testing. Allele origin: germline.
Comment: The INSR c.1254G>C variant is predicted to result in the amino acid substitution p.Glu418Asp. To our knowledge, this variant has not been reported in the literature or in a large population database, indicating this variant is rare. At this time, the clinical significance of this variant is uncertain due to the absence of conclusive functional and genetic evidence.

NM_000208.4(INSR):c.1254G>C (p.Glu418Asp)

Gene: INSR (insulin receptor; minus strand). Cytogenetic location: 19p13.2.
Variant type: single nucleotide variant.
Coding change: c.1254G>C on transcript NM_000208.4 (MANE Select); coding-DNA position 1254, G replaced by C.
Protein change: p.Glu418Asp; replaces glutamic acid 418 with aspartic acid.
Molecular consequence: missense variant.
Genome position (GRCh38, 1-based): chr19:7,172,304, C>G on the plus strand (G>C on the coding strand, the complement: INSR is on the minus strand). VCF-style: chr19-7172304-C-G. GRCh37 (hg19) VCF-style: chr19-7172315-C-G.
Other names: c.1254G>C, p.Glu418Asp (NM_001079817.3); short protein forms E418D.
Identifiers: ClinVar variation 3061041 (VCV003061041.2), dbSNP rs1263612053, ClinGen allele CA403667590.